The following is an entry in ClinVar:

NM_201548.5(CERKL):c.602C>G (p.Thr201Ser)

Gene: CERKL (CERK like autophagy regulator; minus strand). Cytogenetic location: 2q31.3.
Variant type: single nucleotide variant.
Coding change: c.602C>G on transcript NM_201548.5 (MANE Select); coding-DNA position 602, C replaced by G.
Protein change: p.Thr201Ser; replaces threonine 201 with serine.
Molecular consequence: missense variant. On other transcripts: non-coding transcript variant (1), intron variant (2).
Genome position (GRCh38, 1-based): chr2:181,573,764, G>C on the plus strand (C>G on the coding strand, the complement: CERKL is on the minus strand). VCF-style: chr2-181573764-G-C. GRCh37 (hg19) VCF-style: chr2-182438491-G-C.
Other names: c.602C>G, p.Thr201Ser (NM_001030311.3, NM_001030313.3); c.482-24056C>G (NM_001030312.3); c.482-7643C>G (NM_001160277.2); short protein forms T201S.
Identifiers: ClinVar variation 950294 (VCV000950294.7), dbSNP rs142996023, ClinGen allele CA2010777.

ClinVar aggregate classification (germline): Uncertain significance. Review status: criteria provided, multiple submitters, no conflicts (2 of 4 stars). 4 submissions from 4 submitters: Uncertain significance (3). 1 of the submissions does not count toward it. Last evaluated 2025-07-16.

Conditions:
Inborn genetic diseases. Identifiers: MedGen C0950123, MeSH D030342.
Retinitis pigmentosa 26 (RP26). Identifiers: Orphanet 791, MedGen C1842127, MONDO:0012024, OMIM 608380.

Allele frequency attached by ClinVar (database versions not stated): gnomAD exomes 0.00001 and 0.00006; ExAC 0.00009; 1000 Genomes Project 30x 0.00016; 1000 Genomes Project 0.00020; ESP Exome Variant Server 0.00023; gnomAD 0.00024 and 0.00026; TOPMed 0.00026.
gnomAD v4.1: 54 of 1,612,086 alleles (0.0033%); highest among the groups gnomAD compares: African/African-American, 0.068%; no homozygotes.

Submissions (4):

Ambry Genetics
Classification: Uncertain significance for Inborn genetic diseases. Last evaluated: 2025-07-16. Review status: criteria provided, single submitter. Criteria: Ambry Variant Classification Scheme 2023. Collection method: clinical testing. Allele origin: germline.

Blueprint Genetics
Classification: Uncertain significance. Last evaluated: 2024-02-23. Review status: criteria provided, single submitter. Criteria: ACMG Guidelines, 2015. Collection method: clinical testing. Allele origin: germline.

Labcorp Genetics (formerly Invitae), Labcorp
Classification: Uncertain significance. Last evaluated: 2022-07-06. Review status: criteria provided, single submitter. Criteria: Invitae Variant Classification Sherloc (09022015). Collection method: clinical testing. Allele origin: germline.
Comment: This sequence change replaces threonine, which is neutral and polar, with serine, which is neutral and polar, at codon 201 of the CERKL protein (p.Thr201Ser). This variant is present in population databases (rs142996023, gnomAD 0.1%). This variant has not been reported in the literature in individuals affected with CERKL-related conditions. ClinVar contains an entry for this variant (Variation ID: 950294). Algorithms developed to predict the effect of missense changes on protein structure and function are either unavailable or do not agree on the potential impact of this missense change (SIFT: "Tolerated"; PolyPhen-2: "Probably Damaging"; Align-GVGD: "Class C0"). In summary, the available evidence is currently insufficient to determine the role of this variant in disease. Therefore, it has been classified as a Variant of Uncertain Significance.

Natera, Inc.
Classification: Uncertain significance for Retinitis Pigmentosa 26. Last evaluated: 2020-09-15. Review status: no assertion criteria provided. Collection method: clinical testing. Allele origin: germline. Not counted in ClinVar's aggregate classification.